The following is an entry in ClinVar:

ClinVar aggregate classification (germline): Uncertain significance. Review status: criteria provided, multiple submitters, no conflicts (2 of 4 stars). 2 submissions from 2 submitters: Uncertain significance (2). Last evaluated 2024-03-27.

Submissions (2):

GeneDx
Classification: Uncertain significance. Last evaluated: 2024-03-27. Review status: criteria provided, single submitter. Criteria: GeneDx Variant Classification Process June 2021. Collection method: clinical testing. Allele origin: germline. Affected: yes.
Comment: In silico analysis supports a deleterious effect on protein structure/function; Has not been previously published as pathogenic or benign to our knowledge

Labcorp Genetics (formerly Invitae), Labcorp
Classification: Uncertain significance. Last evaluated: 2022-10-19. Review status: criteria provided, single submitter. Criteria: Invitae Variant Classification Sherloc (09022015). Collection method: clinical testing. Allele origin: germline.
Comment: This sequence change replaces glycine, which is neutral and non-polar, with valine, which is neutral and non-polar, at codon 11 of the COL4A5 protein (p.Gly11Val). The frequency data for this variant in the population databases is considered unreliable, as metrics indicate poor data quality at this position in the gnomAD database. This variant has not been reported in the literature in individuals affected with COL4A5-related conditions. Experimental studies and prediction algorithms are not available or were not evaluated, and the functional significance of this variant is currently unknown. In summary, the available evidence is currently insufficient to determine the role of this variant in disease. Therefore, it has been classified as a Variant of Uncertain Significance.

NM_033380.3(COL4A5):c.32_33delinsTT (p.Gly11Val)

Gene: COL4A5 (collagen type IV alpha 5 chain; plus strand). Cytogenetic location: Xq22.3.
Variant type: Indel.
Coding change: c.32_33delinsTT on transcript NM_033380.3 (MANE Select); coding-DNA positions 32 to 33, GC replaced by TT.
Protein change: p.Gly11Val; replaces glycine 11 with valine.
Molecular consequence: missense variant.
Genome position (GRCh38, 1-based): chrX:108,440,157-108,440,158, GC replaced by TT. VCF-style: chrX-108440157-GC-TT. GRCh37 (hg19) VCF-style: chrX-107683387-GC-TT.
Other names: c.32_33delinsTT, p.Gly11Val (NM_000495.5); c.32_33delinsTT (NM_033380.1); short protein forms G11V.
Identifiers: ClinVar variation 2064835 (VCV002064835.2), dbSNP rs2523832885, ClinGen allele CA915940747.